The following is an entry in ClinVar:

NM_005048.4(PTH2R):c.1140A>G (p.Val380=)

Gene: PTH2R (parathyroid hormone 2 receptor; plus strand). Cytogenetic location: 2q34.
Variant type: single nucleotide variant.
Coding change: c.1140A>G on transcript NM_005048.4 (MANE Select); coding-DNA position 1140, A replaced by G.
Protein change: p.Val380=; no amino-acid change (valine 380 retained).
Molecular consequence: synonymous variant. On other transcripts: non-coding transcript variant (4), intron variant (1).
Genome position (GRCh38, 1-based): chr2:208,489,075, A>G. VCF-style: chr2-208489075-A-G. GRCh37 (hg19) VCF-style: chr2-209353800-A-G.
Other names: c.807A>G, p.Val269= (NM_001309516.2, NM_001371905.1, NM_001371906.1); c.649-4189A>G (NM_001371907.1).
Identifiers: ClinVar variation 3056493 (VCV003056493.2), dbSNP rs16841294, ClinGen allele CA2081299.

ClinVar aggregate classification (germline): Benign (0 of 4 stars; one submission).

Conditions:
PTH2R-related disorder. Also called: PTH2R-related condition.

Allele frequency attached by ClinVar (database versions not stated): gnomAD exomes 0.07367; ExAC 0.08409; 1000 Genomes Project 0.12819; 1000 Genomes Project 30x 0.13398; gnomAD 0.14241; TOPMed 0.15359; ESP Exome Variant Server 0.15962.
gnomAD v4.1: 130,236 of 1,613,806 alleles (8.1%); highest among the groups gnomAD compares: African/African-American, 33%; 8,170 homozygotes.

Submission:

PreventionGenetics, part of Exact Sciences
Classification: Benign for PTH2R-related condition. Last evaluated: 2019-10-21. Review status: no assertion criteria provided. Collection method: clinical testing. Allele origin: germline.
Comment: This variant is classified as benign based on ACMG/AMP sequence variant interpretation guidelines (Richards et al. 2015 PMID: 25741868, with internal and published modifications).